The following is an entry in ClinVar:

NM_173630.4(RTTN):c.2309C>T (p.Ser770Leu)

Gene: RTTN (rotatin; minus strand). Cytogenetic location: 18q22.2.
Variant type: single nucleotide variant.
Coding change: c.2309C>T on transcript NM_173630.4 (MANE Select); coding-DNA position 2309, C replaced by T.
Protein change: p.Ser770Leu; replaces serine 770 with leucine.
Molecular consequence: missense variant. On other transcripts: 5 prime UTR variant (1).
Genome position (GRCh38, 1-based): chr18:70,148,901, G>A on the plus strand (C>T on the coding strand, the complement: RTTN is on the minus strand). VCF-style: chr18-70148901-G-A. GRCh37 (hg19) VCF-style: chr18-67816137-G-A.
Other names: c.-339C>T (NM_001318520.2); short protein forms S770L.
Identifiers: ClinVar variation 1308945 (VCV001308945.2), dbSNP rs757093991, ClinGen allele CA8995932.

ClinVar aggregate classification (germline): Uncertain significance (1 of 4 stars; one submission).

Allele frequency attached by ClinVar (database versions not stated): gnomAD 0.00001; TOPMed 0.00001; ExAC 0.00003.
gnomAD v4.1: 29 of 1,613,082 alleles (0.0018%); highest among the groups gnomAD compares: East Asian, 0.0067%; no homozygotes.

Submission:

GeneDx
Classification: Uncertain significance. Last evaluated: 2019-10-07. Review status: criteria provided, single submitter. Criteria: GeneDx Variant Classification Process June 2021. Collection method: clinical testing. Allele origin: germline. Affected: yes.
Comment: Not observed at a significant frequency in large population cohorts (Lek et al., 2016); In silico analysis, which includes protein predictors and evolutionary conservation, supports that this variant does not alter protein structure/function; Has not been previously published as pathogenic or benign to our knowledge